The following is an entry in ClinVar:

ClinVar aggregate classification (germline): Likely pathogenic. Review status: criteria provided, single submitter (1 of 4 stars). 2 submissions from 2 submitters: Likely pathogenic (1). 1 of the submissions does not count toward it. Last evaluated 2024-03-03.

Conditions:
Tan-Almurshedi syndrome (TANALS). Identifiers: MedGen C5882727, MONDO:0957990, OMIM 620641.

Submissions (2):

SIB Swiss Institute of Bioinformatics
Classification: Likely pathogenic for Tan-Almurshedi syndrome. Last evaluated: 2024-03-03. Review status: criteria provided, single submitter. Criteria: ACMG Guidelines, 2015. Collection method: curation. Allele origin: unknown. Affected: yes.
Comment: This variant is interpreted for Tan-Almurshedi syndrome, autosomal recessive. The following ACMG Tag(s) were applied: Absent from controls (or at extremely low frequency if recessive) in gnomAD (PM2). For recessive disorders, detected in trans with a pathogenic variant (PM3). Located in a mutational hot spot and/or critical and well-established functional domain (PM1). Well-established functional studies show a deleterious effect (PS3-supporting).

OMIM
Classification: Pathogenic for TAN-ALMURSHEDI SYNDROME. Last evaluated: 2023-12-07. Review status: no assertion criteria provided. Collection method: literature only. Allele origin: germline. Not counted in ClinVar's aggregate classification.

Literature cited by the submitters: PubMed 37179472 (cited by SIB Swiss Institute of Bioinformatics); Westrip, C. A. E., Paul, F., Al-Murshedi, F., Qaitoon, H., Cham, B., Fletcher, S. C., Hendrix, E., Boora, U., Ng, A. Y. J., Bonnard, C., Najafi, M., Alawbathani, S., Lambert, I., Fox, G., Venkatesh, B., Bertoli-Avella, A., Tan, E. S., Al-Maawali, A., Reversade, B., Coleman, M. L. Inactivation of DRG1, encoding a translation factor GTPase, causes a recessive neurodevelopmental disorder. Genet. Med. 25: 100893, 2023. (cited by OMIM).

NM_004147.4(DRG1):c.742_743inv (p.Asn248Phe)

Gene: DRG1 (developmentally regulated GTP binding protein 1; plus strand). Cytogenetic location: 22q12.2.
Variant type: Inversion.
Coding change: c.742_743inv on transcript NM_004147.4 (MANE Select).
Protein change: p.Asn248Phe; replaces asparagine 248 with phenylalanine.
Molecular consequence: missense variant.
Genome position: GRCh38 VCF-style: chr22-31426643-AA-TT. GRCh37 (hg19) VCF-style: chr22-31822629-AA-TT.
Other names: c.742_743delAAinsTT (NM_004147.3); c.742_743delinsTT (NM_004147.4); short protein forms N248F.
Identifiers: ClinVar variation 2664493 (VCV002664493.3), ClinGen allele CA2695200106.